The following is an entry in ClinVar:

NM_015338.6(ASXL1):c.3961G>T (p.Asp1321Tyr)

Gene: ASXL1 (ASXL transcriptional regulator 1; plus strand). Cytogenetic location: 20q11.21.
Variant type: single nucleotide variant.
Coding change: c.3961G>T on transcript NM_015338.6 (MANE Select); coding-DNA position 3961, G replaced by T.
Protein change: p.Asp1321Tyr; replaces aspartic acid 1321 with tyrosine.
Molecular consequence: missense variant.
Genome position (GRCh38, 1-based): chr20:32,436,673, G>T. VCF-style: chr20-32436673-G-T. GRCh37 (hg19) VCF-style: chr20-31024476-G-T.
Other names: c.3778G>T, p.Asp1260Tyr (NM_001363734.1); short protein forms D1260Y, D1321Y.
Identifiers: ClinVar variation 4864208 (VCV004864208.1).
Genomic context (GRCh38, chr20:32,436,673, plus strand): 5'-GGGAAGAAGCTTTTTGGCTCTGGGAATGTGGCTGCAACCCTTCAGCGCCCCAGGCCTGCG[G>T]ACCCGATGCCTCTTCCTGCTGAGATCCCTCCAGTTTTTCCCAGTGGGAAGTTGGGACCAA-3'
Protein context (NP_056153.2, residues 1311-1331): AATLQRPRPA[Asp1321Tyr]PMPLPAEIPP

ClinVar aggregate classification (germline): Uncertain significance (1 of 4 stars; one submission).

Conditions:
Inborn genetic diseases. Identifiers: MedGen C0950123, MeSH D030342.

Submission:

Ambry Genetics
Classification: Uncertain significance for Inborn genetic diseases. Last evaluated: 2026-04-10. Review status: criteria provided, single submitter. Criteria: Ambry Variant Classification Scheme 2023. Collection method: clinical testing. Allele origin: germline.
Comment: The p.D1321Y variant (also known as c.3961G>T), located in coding exon 13 of the ASXL1 gene, results from a G to T substitution at nucleotide position 3961. The aspartic acid at codon 1321 is replaced by tyrosine, an amino acid with highly dissimilar properties. This amino acid position is conserved. In addition, this alteration is predicted to be tolerated by in silico analysis. Based on the available evidence, the clinical significance of this variant remains unclear.